The following is an entry in ClinVar:

Single allele

Genes: F9 (coagulation factor IX; plus strand), FGF13 (fibroblast growth factor 13; minus strand), MCF2 (MCF.2 cell line derived transforming sequence; minus strand). Cytogenetic location: Xq27.1.
Variant type: Duplication.
Identifiers: ClinVar variation 3764747 (VCV003764747.1).

ClinVar aggregate classification (germline): Uncertain significance (0 of 4 stars; one submission).

Conditions:
Arthrogryposis multiplex congenita (AMC). Also called: Congenital multiple arthrogryposis; Fibrous ankylosis of multiple joints; Congenital arthromyodysplasia; Myodystrophia fetalis deformans; Otto syndrome; Rocher-Sheldon syndrome. Identifiers: Orphanet 1037, MedGen C5779613, MeSH D001176, MONDO:0015168, HP:0002804.

Submission:

Solve-RD Consortium
Classification: Uncertain significance for Arthrogryposis multiplex congenita. Last evaluated: 2024-09-01. Review status: no assertion criteria provided. Collection method: provider interpretation. Allele origin: de novo. Affected: yes. Study: Solve-RD Consortium.
Comment: The breakpoints of the duplication disrupt two genes: FGF13 and MCF2. The duplication results in a hypothetical FGF13-MCF2 fusion gene, in which the breakpoint resides within the second intron of FGF13 and the first intron of MCF2. The entire fusion gene product is assumed to be in-frame. FGF13 modulates the function and location of voltage-gated sodium channels in the brain and mutation sin the gene have been linked to developmental and epileptic encephalopathy 90 and intellectual developmental disorder. MCF2 is an oncogene belonging to a family of GDP-GRP exchange factors. A putative pathogenic missense mutation in MCF2 has previously been reported in a patient presenting with complex perisylvian syndrome (PMID: 31846234). This CNV was confirmed by the submitting clinician to impact a gene that may correspond with the phenotype of the affected individual.

Literature cited by the submitters: PubMed 31846234.